The following is an entry in ClinVar:

NM_021098.3(CACNA1H):c.2285_2300dup (p.Ala768fs)

Gene: CACNA1H (calcium voltage-gated channel subunit alpha1 H; plus strand). Cytogenetic location: 16p13.3.
Variant type: Duplication.
Coding change: c.2285_2300dup on transcript NM_021098.3 (MANE Select); coding-DNA positions 2285 to 2300, 16 bases duplicated (GGGCACAGCAGAGGGC).
Protein change: p.Ala768fs; shifts the reading frame from alanine 768.
Molecular consequence: frameshift variant.
Genome position (GRCh38, 1-based): chr16:1,204,292-1,204,307, GGGCACAGCAGAGGGC duplicated; duplicating any 16 consecutive bases within chr16:1,204,289-1,204,307 gives the same sequence; the c. name uses the placement nearest the transcript's 3' end. VCF-style (leftmost placement, unchanged base first): chr16-1204288-C-CGGCGGGCACAGCAGAG. GRCh37 (hg19) VCF-style: chr16-1254288-C-CGGCGGGCACAGCAGAG.
Other names: c.2285_2300dup, p.Ala768fs (NM_001005407.2); short protein forms A768fs.
Identifiers: ClinVar variation 1999865 (VCV001999865.4), dbSNP rs2548659259, ClinGen allele CA2580090536.
Genomic context (GRCh38, chr16:1,204,288, plus strand): 5'-GACCCCACGCGACCACCCCGTGCGACGGACACACCAGGCCCAGGCCCAGGCAGCCCCCAG[C>CGGCGGGCACAGCAGAG]GGCGGGCACAGCAGAGGGCAGCCCCGGGCGAGCCAGGCTGGATGGGCCGCCTCTGGGTTA-3'

ClinVar aggregate classification (germline): Uncertain significance (1 of 4 stars; one submission).

Conditions:
Hyperaldosteronism, familial, type IV (HALD4). Also called: FH IV; ALDOSTERONISM, PRIMARY, AND HYPERTENSION. Identifiers: Orphanet 642671, MedGen C4310756, MONDO:0014875, OMIM 617027.
Idiopathic generalized epilepsy. Also called: Generalised epilepsy; EIG. Identifiers: MedGen C0270850, MONDO:0005579, OMIM 600669.

Submission:

Labcorp Genetics (formerly Invitae), Labcorp
Classification: Uncertain significance for Idiopathic generalized epilepsy; Hyperaldosteronism, familial, type IV. Last evaluated: 2022-05-28. Review status: criteria provided, single submitter. Criteria: Invitae Variant Classification Sherloc (09022015). Collection method: clinical testing. Allele origin: germline.
Comment: This sequence change creates a premature translational stop signal (p.Ala768Glyfs*54) in the CACNA1H gene. It is expected to result in an absent or disrupted protein product. However, the current clinical and genetic evidence is not sufficient to establish whether loss-of-function variants in CACNA1H cause disease. This variant is not present in population databases (gnomAD no frequency). This variant has not been reported in the literature in individuals affected with CACNA1H-related conditions. In summary, the available evidence is currently insufficient to determine the role of this variant in disease. Therefore, it has been classified as a Variant of Uncertain Significance.